The following is an entry in ClinVar:

NM_001166108.2(PALLD):c.1965-12960A>C

Gene: PALLD (palladin, cytoskeletal associated protein; plus strand). Cytogenetic location: 4q32.3.
Variant type: single nucleotide variant.
Coding change: c.1965-12960A>C on transcript NM_001166108.2 (MANE Select); 12960 bases into the intron before coding-DNA position 1965, A replaced by C.
Molecular consequence: intron variant. On other transcripts: missense variant (1).
Genome position (GRCh38, 1-based): chr4:168,877,962, A>C. VCF-style: chr4-168877962-A-C. GRCh37 (hg19) VCF-style: chr4-169799113-A-C.
Other names: c.71A>C, p.Lys24Thr (NM_001166110.2); c.1965-12960A>C (NM_016081.4); c.819-12960A>C (NM_001166109.2); c.-157-12960A>C (NM_001367570.1, NM_001367568.1, NM_001367567.1 and 1 more transcripts); short protein forms K24T.
Identifiers: ClinVar variation 1757634 (VCV001757634.2), dbSNP rs2533433333, ClinGen allele CA358794891.
Genomic context (GRCh38, chr4:168,877,962, plus strand): 5'-TGGCCTCCCGCTCCGCCCCCGCCATGCAGTCCTCCGGCTCCTTCAACTACGCGCGCCCCA[A>C]GCAGTTCATCGCCGCGCAGAACCTCGGGCCCGCGTCGGGCCACGGCACGCCGGCCTCCAG-3'

ClinVar aggregate classification (germline): Uncertain significance (1 of 4 stars; one submission).

Submission:

Ambry Genetics
Classification: Uncertain significance. Last evaluated: 2021-12-10. Review status: criteria provided, single submitter. Criteria: Ambry Variant Classification Scheme 2023. Collection method: clinical testing. Allele origin: germline.
Comment: The p.K24T variant (also known as c.71A>C), located in coding exon 1 of the PALLD gene, results from an A to C substitution at nucleotide position 71. The lysine at codon 24 is replaced by threonine, an amino acid with similar properties. This amino acid position is conserved. In addition, the in silico prediction for this alteration is inconclusive. Since supporting evidence is limited at this time, the clinical significance of this alteration remains unclear.